The following is an entry in ClinVar:

ClinVar aggregate classification (germline): Uncertain significance (1 of 4 stars; one submission).

Allele frequency attached by ClinVar (database versions not stated): TOPMed below 0.00001; gnomAD 0.00001; gnomAD exomes 0.00001; ExAC 0.00002; 1000 Genomes Project 30x 0.00016; 1000 Genomes Project 0.00020.
gnomAD v4.1: 10 of 1,573,312 alleles (0.00064%); highest among the groups gnomAD compares: South Asian, 0.01%; no homozygotes.

Submission:

Labcorp Genetics (formerly Invitae), Labcorp
Classification: Uncertain significance. Last evaluated: 2022-08-31. Review status: criteria provided, single submitter. Criteria: Invitae Variant Classification Sherloc (09022015). Collection method: clinical testing. Allele origin: germline.
Comment: The frequency data for this variant in the population databases is considered unreliable, as metrics indicate poor data quality at this position in the gnomAD database. In summary, the available evidence is currently insufficient to determine the role of this variant in disease. Therefore, it has been classified as a Variant of Uncertain Significance. Algorithms developed to predict the effect of missense changes on protein structure and function are either unavailable or do not agree on the potential impact of this missense change (SIFT: "Tolerated"; PolyPhen-2: "Probably Damaging"; Align-GVGD: "Class C0"). This variant has not been reported in the literature in individuals affected with FSCN2-related conditions. This sequence change replaces glycine, which is neutral and non-polar, with aspartic acid, which is acidic and polar, at codon 467 of the FSCN2 protein (p.Gly467Asp).

NM_012418.4(FSCN2):c.1328G>A (p.Gly443Asp)

Gene: FSCN2 (fascin actin-bundling protein 2, retinal; plus strand). Cytogenetic location: 17q25.3.
Variant type: single nucleotide variant.
Coding change: c.1328G>A on transcript NM_012418.4 (MANE Select); coding-DNA position 1328, G replaced by A.
Protein change: p.Gly443Asp; replaces glycine 443 with aspartic acid.
Molecular consequence: missense variant.
Genome position (GRCh38, 1-based): chr17:81,536,929, G>A. VCF-style: chr17-81536929-G-A. GRCh37 (hg19) VCF-style: chr17-79503955-G-A.
Other names: c.1400G>A, p.Gly467Asp (NM_001077182.3); short protein forms G443D, G467D.
Identifiers: ClinVar variation 1959965 (VCV001959965.5), dbSNP rs569208835, ClinGen allele CA8837114.